The following is an entry in ClinVar:

ClinVar aggregate classification (germline): Uncertain significance (1 of 4 stars; one submission).

Conditions:
Lethal Kniest-like syndrome (DDSH). Also called: Dyssegmental Dysplasia. Identifiers: Orphanet 1865, MedGen C1857100, MONDO:0009140, OMIM 224410.

gnomAD v4.1: 2 of 1,574,410 alleles (0.00013%); highest among the groups gnomAD compares: Admixed American, 0.0018%; no homozygotes.

Submission:

Broad Center for Mendelian Genomics, Broad Institute of MIT and Harvard
Classification: Uncertain significance for Lethal Kniest-like syndrome. Last evaluated: 2024-11-27. Review status: criteria provided, single submitter. Criteria: ACMG Guidelines, 2015. Collection method: curation. Allele origin: germline. Inheritance: Autosomal recessive inheritance. Study: GREGoR Consortium.
Comment: The p.Gly3443Asp variant in HSPG2 has not been previously reported in the literature in individuals with Silverman-Handmaker type dyssegmental dysplasia, but has been identified in 0.002% (1/55226) of Latino/Admixed American chromosomes by the Genome Aggregation Database (gnomAD; dbSNP rs866428334). Although this variant has been seen in the general population in a heterozygous state, its frequency is low enough to be consistent with a recessive carrier frequency. Computational prediction tools, including splice predictors and conservation analyses suggest that this variant may not impact the protein, though this information is not predictive enough to rule out pathogenicity. The number of missense variants reported in HSPG2 in the general population is lower than expected, suggesting there is little benign variation in this gene and slightly increasing the possibility that a missense variant in this gene may not be tolerated. In summary, the clinical significance of the p.Gly3443Asp variant is uncertain. ACMG/AMP Criteria applied: BP4, PP2, PM2_supporting (Richards 2015).

NM_005529.7(HSPG2):c.10328G>A (p.Gly3443Asp)

Gene: HSPG2 (heparan sulfate proteoglycan 2; minus strand). Cytogenetic location: 1p36.12.
Variant type: single nucleotide variant.
Coding change: c.10328G>A on transcript NM_005529.7 (MANE Select); coding-DNA position 10328, G replaced by A.
Protein change: p.Gly3443Asp; replaces glycine 3443 with aspartic acid.
Molecular consequence: missense variant.
Genome position (GRCh38, 1-based): chr1:21,836,829, C>T on the plus strand (G>A on the coding strand, the complement: HSPG2 is on the minus strand). VCF-style: chr1-21836829-C-T. GRCh37 (hg19) VCF-style: chr1-22163322-C-T.
Other names: NM_001291860.2:c.10331G>A; c.10331G>A, p.Gly3444Asp (NM_001291860.2); short protein forms G3443D, G3444D.
Identifiers: ClinVar variation 3383327 (VCV003383327.1).
Genomic context (GRCh38, chr1:21,836,829, plus strand): 5'-CCCAAGTCCAGTCCTGCCCCCGGCCCCACTCACCGGAGCACCCCATCCTGCACGCTGTGA[C>T]CCGGAGGCAGCTGACCCCCTTCCTTGAACCAACGGAGCTGGGTACCCCGGTCGCTGGGCA-3'
Protein context (NP_005520.4, residues 3433-3453): WFKEGGQLPP[Gly3443Asp]HSVQDGVLRI